The following is an entry in ClinVar:

ClinVar aggregate classification (germline): Uncertain significance (1 of 4 stars; one submission).

Conditions:
Nemaline myopathy 10 (NEM10). Identifiers: MedGen C4015360, MONDO:0014513, OMIM 616165.

Submission:

Labcorp Genetics (formerly Invitae), Labcorp
Classification: Uncertain significance for Nemaline myopathy 10. Last evaluated: 2022-07-19. Review status: criteria provided, single submitter. Criteria: Invitae Variant Classification Sherloc (09022015). Collection method: clinical testing. Allele origin: germline.
Comment: This sequence change replaces valine, which is neutral and non-polar, with alanine, which is neutral and non-polar, at codon 292 of the LMOD3 protein (p.Val292Ala). This variant is not present in population databases (gnomAD no frequency). This variant has not been reported in the literature in individuals affected with LMOD3-related conditions. ClinVar contains an entry for this variant (Variation ID: 659242). Algorithms developed to predict the effect of missense changes on protein structure and function are either unavailable or do not agree on the potential impact of this missense change (SIFT: "Tolerated"; PolyPhen-2: "Possibly Damaging"; Align-GVGD: "Class C0"). In summary, the available evidence is currently insufficient to determine the role of this variant in disease. Therefore, it has been classified as a Variant of Uncertain Significance.

NM_198271.5(LMOD3):c.875T>C (p.Val292Ala)

Gene: LMOD3 (leiomodin 3; minus strand). Cytogenetic location: 3p14.1.
Variant type: single nucleotide variant.
Coding change: c.875T>C on transcript NM_198271.5 (MANE Select); coding-DNA position 875, T replaced by C.
Protein change: p.Val292Ala; replaces valine 292 with alanine.
Molecular consequence: missense variant.
Genome position (GRCh38, 1-based): chr3:69,119,480, A>G on the plus strand (T>C on the coding strand, the complement: LMOD3 is on the minus strand). VCF-style: chr3-69119480-A-G. GRCh37 (hg19) VCF-style: chr3-69168631-A-G.
Other names: c.875T>C, p.Val292Ala (NM_001304418.3); short protein forms V292A.
Identifiers: ClinVar variation 659242 (VCV000659242.3), dbSNP rs1575880432, ClinGen allele CA353474218.